The following is an entry in ClinVar:

ClinVar aggregate classification (germline): Uncertain significance. Review status: criteria provided, multiple submitters, no conflicts (2 of 4 stars). 2 submissions from 2 submitters: Uncertain significance (2). Last evaluated 2025-06-07.

Conditions:
Hereditary cancer-predisposing syndrome. Also called: Hereditary neoplastic syndrome; Neoplastic Syndromes, Hereditary; Hereditary Cancer Syndrome; Tumor predisposition. Identifiers: Orphanet 140162, MedGen C0027672, MeSH D009386, MONDO:0015356.
Hereditary nonpolyposis colorectal neoplasms. Identifiers: MedGen C0009405, MeSH D003123.

Submissions (2):

Ambry Genetics
Classification: Uncertain significance for Hereditary cancer-predisposing syndrome. Last evaluated: 2025-06-07. Review status: criteria provided, single submitter. Criteria: Ambry Variant Classification Scheme 2023. Collection method: clinical testing. Allele origin: germline.
Comment: The p.S167R variant (also known as c.499A>C), located in coding exon 3 of the MSH6 gene, results from an A to C substitution at nucleotide position 499. The serine at codon 167 is replaced by arginine, an amino acid with dissimilar properties. This amino acid position is conserved. In addition, the in silico prediction for this alteration is inconclusive. Based on the available evidence, the clinical significance of this variant remains unclear.

Labcorp Genetics (formerly Invitae), Labcorp
Classification: Uncertain significance for Hereditary nonpolyposis colorectal neoplasms. Last evaluated: 2024-04-10. Review status: criteria provided, single submitter. Criteria: Invitae Variant Classification Sherloc (09022015). Collection method: clinical testing. Allele origin: germline.
Comment: This sequence change replaces serine, which is neutral and polar, with arginine, which is basic and polar, at codon 167 of the MSH6 protein (p.Ser167Arg). This variant is not present in population databases (gnomAD no frequency). This variant has not been reported in the literature in individuals affected with MSH6-related conditions. ClinVar contains an entry for this variant (Variation ID: 1720828). Advanced modeling of protein sequence and biophysical properties (such as structural, functional, and spatial information, amino acid conservation, physicochemical variation, residue mobility, and thermodynamic stability) performed at Invitae indicates that this missense variant is not expected to disrupt MSH6 protein function with a negative predictive value of 95%. In summary, the available evidence is currently insufficient to determine the role of this variant in disease. Therefore, it has been classified as a Variant of Uncertain Significance.

NM_000179.3(MSH6):c.499A>C (p.Ser167Arg)

Gene: MSH6 (mutS homolog 6; plus strand). Cytogenetic location: 2p16.3.
Variant type: single nucleotide variant.
Coding change: c.499A>C on transcript NM_000179.3 (MANE Select); coding-DNA position 499, A replaced by C.
Protein change: p.Ser167Arg; replaces serine 167 with arginine.
Molecular consequence: missense variant. On other transcripts: 5 prime UTR variant (1), intron variant (2).
Genome position (GRCh38, 1-based): chr2:47,795,935, A>C. VCF-style: chr2-47795935-A-C. GRCh37 (hg19) VCF-style: chr2-48023074-A-C.
Other names: c.-404A>C (NM_001281494.2); c.595A>C, p.Ser199Arg (NM_001406795.1, NM_001406802.1); c.499A>C, p.Ser167Arg (NM_001406796.1, NM_001406798.1, NM_001406800.1 and 5 more transcripts); c.202A>C, p.Ser68Arg (NM_001406797.1, NM_001406801.1, NM_001406805.1 and 10 more transcripts); c.-27A>C (NM_001406799.1, NM_001406806.1, NM_001406807.1); c.421A>C, p.Ser141Arg (NM_001406804.1); c.505A>C, p.Ser169Arg (NM_001406813.1); c.-496A>C (NM_001406814.1); and 3 more; short protein forms S111R, S141R, S167R, S169R, S199R, S68R.
Identifiers: ClinVar variation 1720828 (VCV001720828.7), dbSNP rs2104231027, ClinGen allele CA346738642.